The following is an entry in ClinVar:

ClinVar aggregate classification (germline): Benign (3 of 4 stars; one submission).

Conditions:
Breast-ovarian cancer, familial, susceptibility to, 1 (BROVCA1). Also called: BRCA1 Hereditary Breast and Ovarian Cancer; OVARIAN CANCER, SUSCEPTIBILITY TO. Identifiers: Orphanet 145, MedGen C2676676, MONDO:0011450, OMIM 604370. Disease mechanism: loss of function.

Allele frequency attached by ClinVar (database versions not stated): gnomAD 0.01590 and 0.01685; 1000 Genomes Project 0.01697; TOPMed 0.01757; 1000 Genomes Project 30x 0.01780.
gnomAD v4.1: 2,399 of 152,164 alleles (1.6%); highest among the groups gnomAD compares: African/African-American, 5.4%; 80 homozygotes.

Submission:

Evidence-based Network for the Interpretation of Germline Mutant Alleles (ENIGMA)
Classification: Benign for Breast-ovarian cancer, familial 1. Last evaluated: 2015-01-12. Review status: reviewed by expert panel. Criteria: ENIGMA BRCA1/2 Classification Criteria (2015). Collection method: curation. Allele origin: germline.
Comment: Class 1 not pathogenic based on frequency >1% in an outbred sampleset. Frequency 0.05691 (African), derived from 1000 genomes (2012-04-30).

NM_007294.4(BRCA1):c.5075-1412T>C

Gene: BRCA1 (BRCA1 DNA repair associated; minus strand). Cytogenetic location: 17q21.31.
Variant type: single nucleotide variant.
Coding change: c.5075-1412T>C on transcript NM_007294.4 (MANE Select); 1412 bases into the intron before coding-DNA position 5075, T replaced by C.
Molecular consequence: intron variant.
Genome position (GRCh38, 1-based): chr17:43,065,363, A>G on the plus strand (T>C on the coding strand, the complement: BRCA1 is on the minus strand). VCF-style: chr17-43065363-A-G. GRCh37 (hg19) VCF-style: chr17-41217380-A-G.
Other names: IVS 17-1412T>C; c.1622-1412T>C (NM_001408458.1, NM_001408461.1, NM_001408464.1 and 7 more transcripts); c.4184-1412T>C (NM_001407967.1); c.4694-1412T>C (NM_001407959.1); c.4808-1412T>C (NM_001407931.1, NM_001407932.1, NM_001407928.1 and 4 more transcripts); c.4931-1412T>C (NM_001407747.1, NM_001407745.1, NM_001407737.1 and 21 more transcripts); c.4691-1412T>C (NM_001407962.1, NM_001407960.1); c.1262-1412T>C (NM_001408512.1); and 74 more.
Identifiers: ClinVar variation 209332 (VCV000209332.2), dbSNP rs8176245, ClinGen allele CA276304.